The following is an entry in ClinVar:

ClinVar aggregate classification (germline): Uncertain significance (1 of 4 stars; one submission).

Conditions:
Inborn genetic diseases. Identifiers: MedGen C0950123, MeSH D030342.

Submission:

Ambry Genetics
Classification: Uncertain significance for Inborn genetic diseases. Last evaluated: 2025-08-31. Review status: criteria provided, single submitter. Criteria: Ambry Variant Classification Scheme 2023. Collection method: clinical testing. Allele origin: germline.
Comment: The p.T1413I variant (also known as c.4238C>T), located in coding exon 15 of the FANCM gene, results from a C to T substitution at nucleotide position 4238. The threonine at codon 1413 is replaced by isoleucine, an amino acid with similar properties. This amino acid position is conserved. In addition, this alteration is predicted to be tolerated by in silico analysis. Based on the available evidence, the clinical significance of this variant remains unclear.

NM_020937.4(FANCM):c.4238C>T (p.Thr1413Ile)

Gene: FANCM (FA complementation group M; plus strand). Cytogenetic location: 14q21.2.
Variant type: single nucleotide variant.
Coding change: c.4238C>T on transcript NM_020937.4 (MANE Select); coding-DNA position 4238, C replaced by T.
Protein change: p.Thr1413Ile; replaces threonine 1413 with isoleucine.
Molecular consequence: missense variant.
Genome position (GRCh38, 1-based): chr14:45,181,445, C>T. VCF-style: chr14-45181445-C-T. GRCh37 (hg19) VCF-style: chr14-45650648-C-T.
Other names: c.4160C>T, p.Thr1387Ile (NM_001308133.2); short protein forms T1413I, T1387I.
Identifiers: ClinVar variation 4254730 (VCV004254730.1).